The following is an entry in ClinVar:

NM_001393504.1(MAST3):c.1477G>A (p.Val493Met)

Gene: MAST3 (microtubule associated serine/threonine kinase 3; plus strand). Cytogenetic location: 19p13.11.
Variant type: single nucleotide variant.
Coding change: c.1477G>A on transcript NM_001393504.1 (MANE Select); coding-DNA position 1477, G replaced by A.
Protein change: p.Val493Met; replaces valine 493 with methionine.
Molecular consequence: missense variant.
Genome position (GRCh38, 1-based): chr19:18,131,953, G>A. VCF-style: chr19-18131953-G-A. GRCh37 (hg19) VCF-style: chr19-18242763-G-A.
Other names: c.1501G>A, p.Val501Met (NM_001393501.1); c.1480G>A, p.Val494Met (NM_001393502.1); c.1477G>A, p.Val493Met (NM_001393503.1); c.1474G>A, p.Val492Met (NM_001393505.1); c.1429G>A, p.Val477Met (NM_001393506.1, NM_001393513.1); c.1456G>A, p.Val486Met (NM_001393507.1); c.1411G>A, p.Val471Met (NM_001393508.1, NM_001393516.1); c.1408G>A, p.Val470Met (NM_001393509.1, NM_001393510.1, NM_001393512.1 and 2 more transcripts); and 4 more; short protein forms V455M, V463M, V464M, V469M, V470M, V471M, V477M, V486M.
Identifiers: ClinVar variation 2581199 (VCV002581199.1), dbSNP rs750740963, ClinGen allele CA9305898.

ClinVar aggregate classification (germline): Uncertain significance (1 of 4 stars; one submission).

Allele frequency attached by ClinVar (database versions not stated): gnomAD 0.00001; gnomAD exomes 0.00001; TOPMed 0.00001; ExAC 0.00002.
gnomAD v4.1: 18 of 1,612,950 alleles (0.0011%); highest among the groups gnomAD compares: Admixed American, 0.0033%; no homozygotes.

Submission:

Women's Health and Genetics/Laboratory Corporation of America, LabCorp
Classification: Uncertain significance. Last evaluated: 2023-08-18. Review status: criteria provided, single submitter. Criteria: LabCorp Variant Classification Summary - May 2015. Collection method: clinical testing. Allele origin: germline.
Comment: Variant summary: MAST3 c.1390G>A (p.Val464Met) results in a conservative amino acid change located in the Protein kinase domain (IPR000719) of the encoded protein sequence. Three of five in-silico tools predict a damaging effect of the variant on protein function. The variant allele was found at a frequency of 2e-05 in 246660 control chromosomes (gnomAD). The available data on variant occurrences in the general population are insufficient to allow any conclusion about variant significance. To our knowledge, no occurrence of c.1390G>A in individuals affected with Developmental And Epileptic Encephalopathy 108 and no experimental evidence demonstrating its impact on protein function have been reported. No submitters have cited clinical-significance assessments for this variant to ClinVar after 2014. Based on the evidence outlined above, the variant was classified as uncertain significance.